The following is an entry in ClinVar:

ClinVar aggregate classification (germline): Uncertain significance (1 of 4 stars; one submission).

Submission:

Labcorp Genetics (formerly Invitae), Labcorp
Classification: Uncertain significance. Last evaluated: 2025-09-13. Review status: criteria provided, single submitter. Criteria: Invitae Variant Classification Sherloc (09022015). Collection method: clinical testing. Allele origin: germline.
Comment: This sequence change replaces glycine, which is neutral and non-polar, with aspartic acid, which is acidic and polar, at codon 193 of the RHBDF2 protein (p.Gly193Asp). This variant is not present in population databases (gnomAD no frequency). This variant has not been reported in the literature in individuals affected with RHBDF2-related conditions. An algorithm developed to predict the effect of missense changes on protein structure and function (PolyPhen-2) suggests that this variant is likely to be disruptive. In summary, the available evidence is currently insufficient to determine the role of this variant in disease. Therefore, it has been classified as a Variant of Uncertain Significance.

NM_001005498.4(RHBDF2):c.491G>A (p.Gly164Asp)

Gene: RHBDF2 (rhomboid 5 homolog 2; minus strand). Cytogenetic location: 17q25.1.
Variant type: single nucleotide variant.
Coding change: c.491G>A on transcript NM_001005498.4 (MANE Select); coding-DNA position 491, G replaced by A.
Protein change: p.Gly164Asp; replaces glycine 164 with aspartic acid.
Molecular consequence: missense variant. On other transcripts: non-coding transcript variant (3).
Genome position (GRCh38, 1-based): chr17:76,478,987, C>T on the plus strand (G>A on the coding strand, the complement: RHBDF2 is on the minus strand). VCF-style: chr17-76478987-C-T. GRCh37 (hg19) VCF-style: chr17-74475069-C-T.
Other names: c.491G>A, p.Gly164Asp (NM_001376228.1, NM_001376229.1, NM_001376230.1); c.578G>A, p.Gly193Asp (NM_024599.5); short protein forms G193D, G164D.
Identifiers: ClinVar variation 4727093 (VCV004727093.1).